The following is an entry in ClinVar:

ClinVar aggregate classification (germline): Uncertain significance (1 of 4 stars; one submission).

Conditions:
Hereditary cancer-predisposing syndrome. Also called: Tumor predisposition; Neoplastic Syndromes, Hereditary; Hereditary neoplastic syndrome; Hereditary Cancer Syndrome. Identifiers: Orphanet 140162, MedGen C0027672, MeSH D009386, MONDO:0015356.

Submission:

Ambry Genetics
Classification: Uncertain significance for Hereditary cancer-predisposing syndrome. Last evaluated: 2025-08-01. Review status: criteria provided, single submitter. Criteria: Ambry Variant Classification Scheme 2023. Collection method: clinical testing. Allele origin: germline.
Comment: The p.K521Q variant (also known as c.1561A>C), located in coding exon 16 of the MUTYH gene, results from an A to C substitution at nucleotide position 1561. The lysine at codon 521 is replaced by glutamine, an amino acid with similar properties. This amino acid position is conserved. In addition, this alteration is predicted to be tolerated by in silico analysis. Based on the available evidence, the clinical significance of this variant remains unclear.

NM_001048174.2(MUTYH):c.1477A>C (p.Lys493Gln)

Gene: MUTYH (mutY DNA glycosylase; minus strand). Cytogenetic location: 1p34.1.
Variant type: single nucleotide variant.
Coding change: c.1477A>C on transcript NM_001048174.2 (MANE Select); coding-DNA position 1477, A replaced by C.
Protein change: p.Lys493Gln; replaces lysine 493 with glutamine.
Molecular consequence: missense variant. On other transcripts: non-coding transcript variant (7).
Genome position (GRCh38, 1-based): chr1:45,329,395, T>G on the plus strand (A>C on the coding strand, the complement: MUTYH is on the minus strand). VCF-style: chr1-45329395-T-G. GRCh37 (hg19) VCF-style: chr1-45795067-T-G.
Other names: c.1552A>C, p.Lys518Gln (NM_012222.3); c.1438A>C, p.Lys480Gln (NM_001407079.1); c.1435A>C, p.Lys479Gln (NM_001407080.1); c.1477A>C, p.Lys493Gln (NM_001407081.1, NM_001407088.1, NM_001407089.1 and 6 more transcripts); c.1132A>C, p.Lys378Gln (NM_001407082.1, NM_001350650.2, NM_001350651.2); c.1519A>C, p.Lys507Gln (NM_001407083.1, NM_001407085.1); c.1480A>C, p.Lys494Gln (NM_001407086.1, NM_001407078.1, NM_001048172.2 and 1 more transcripts); c.1498A>C, p.Lys500Gln (NM_001407087.1); and 5 more; short protein forms K479Q, K401Q, K465Q, K494Q, K504Q, K378Q, K480Q, K493Q.
Identifiers: ClinVar variation 4112900 (VCV004112900.1).